The following is an entry in ClinVar:

NM_014989.7(RIMS1):c.4259T>C (p.Val1420Ala)

Gene: RIMS1 (regulating synaptic membrane exocytosis 1; plus strand). Cytogenetic location: 6q13.
Variant type: single nucleotide variant.
Coding change: c.4259T>C on transcript NM_014989.7 (MANE Select); coding-DNA position 4259, T replaced by C.
Protein change: p.Val1420Ala; replaces valine 1420 with alanine.
Molecular consequence: missense variant. On other transcripts: intron variant (24).
Genome position (GRCh38, 1-based): chr6:72,333,728, T>C. VCF-style: chr6-72333728-T-C. GRCh37 (hg19) VCF-style: chr6-73043431-T-C.
Other names: c.2219T>C, p.Val740Ala (NM_001168407.2); c.2180T>C, p.Val727Ala (NM_001350414.2); c.2276T>C, p.Val759Ala (NM_001350415.2); c.2225T>C, p.Val742Ala (NM_001350416.2); c.2198T>C, p.Val733Ala (NM_001350418.2); c.2333T>C, p.Val778Ala (NM_001350420.2); c.2078T>C, p.Val693Ala (NM_001350421.2); c.1967T>C, p.Val656Ala (NM_001350423.2); and 54 more; short protein forms V1420A, V689A, V700A, V717A, V727A, V733A, V755A, V778A.
Identifiers: ClinVar variation 357859 (VCV000357859.11), dbSNP rs373553229, ClinGen allele CA3886474.
Genomic context (GRCh38, chr6:72,333,728, plus strand): 5'-GTGTCAGTGGAGAGATGTACACACTGGAGCATAATGACGGCAGCCAGTCAGACACAGCTG[T>C]GGGTACAGTTGGAGCAGGTGGAAAGAAACGGAGATCCAGCCTTAGTGCCAAAGTGGTTGC-3'
Protein context (NP_055804.2, residues 1410-1430): HNDGSQSDTA[Val1420Ala]GTVGAGGKKR

ClinVar aggregate classification (germline): Uncertain significance. Review status: criteria provided, multiple submitters, no conflicts (2 of 4 stars). 2 submissions from 2 submitters: Uncertain significance (2). Last evaluated 2025-12-06.

Allele frequency attached by ClinVar (database versions not stated): TOPMed 0.00003; gnomAD 0.00004 and 0.00005; gnomAD exomes 0.00004 and 0.00005; ExAC 0.00005; ESP Exome Variant Server 0.00016.
gnomAD v4.1: 68 of 1,598,638 alleles (0.0043%); highest among the groups gnomAD compares: Non-Finnish European, 0.0052%; no homozygotes.

Submissions (2):

Labcorp Genetics (formerly Invitae), Labcorp
Classification: Uncertain significance. Last evaluated: 2025-12-06. Review status: criteria provided, single submitter. Criteria: Invitae Variant Classification Sherloc (09022015). Collection method: clinical testing. Allele origin: germline.
Comment: This sequence change replaces valine, which is neutral and non-polar, with alanine, which is neutral and non-polar, at codon 1420 of the RIMS1 protein (p.Val1420Ala). This variant is present in population databases (rs373553229, gnomAD 0.01%). This variant has not been reported in the literature in individuals affected with RIMS1-related conditions. ClinVar contains an entry for this variant (Variation ID: 357859). An algorithm developed to predict the effect of missense changes on protein structure and function (PolyPhen-2) suggests that this variant is likely to be disruptive. In summary, the available evidence is currently insufficient to determine the role of this variant in disease. Therefore, it has been classified as a Variant of Uncertain Significance.

Ambry Genetics
Classification: Uncertain significance. Last evaluated: 2025-06-19. Review status: criteria provided, single submitter. Criteria: Ambry Variant Classification Scheme 2023. Collection method: clinical testing. Allele origin: germline.